The following is an entry in ClinVar:

ClinVar aggregate classification (germline): Pathogenic/Likely pathogenic. Review status: criteria provided, multiple submitters, no conflicts (2 of 4 stars). 14 submissions from 14 submitters: Pathogenic (3); Likely pathogenic (9). 2 of the submissions do not count toward it. Last evaluated 2026-01-06.

Conditions:
TYMP-related disorder. Also called: TYMP-related condition.
Mitochondrial neurogastrointestinal encephalomyopathy. Also called: Mitochondrial neurogastrointestinal encephalopathy syndrome; MNGIE syndrome; Thymidine phosphorylase deficiency. Identifiers: Orphanet 298, MedGen C0872218, MONDO:0017575.
Mitochondrial DNA depletion syndrome 1. Also called: Mitochondrial neurogastrointestinal encephalomyopathy syndrome; POLIP SYNDROME; POLYNEUROPATHY, OPHTHALMOPLEGIA, LEUKOENCEPHALOPATHY, AND INTESTINAL PSEUDOOBSTRUCTION; Mitochondrial DNA Depletion Syndrome, MNGIE Form; Mitochondrial Neurogastrointestinal Encephalopathy Disease; MITOCHONDRIAL NEUROGASTROINTESTINAL ENCEPHALOPATHY SYNDROME, TYMP-RELATED. Identifiers: Orphanet 298, MedGen C4551995, MONDO:0011283, OMIM 603041.

Allele frequency attached by ClinVar (database versions not stated): TOPMed 0.00020; gnomAD 0.00025 and 0.00027; gnomAD exomes 0.00033; ExAC 0.00035.
gnomAD v4.1: 712 of 1,613,832 alleles (0.044%); highest among the groups gnomAD compares: Non-Finnish European, 0.058%; no homozygotes.

Submissions (14):

GeneDx
Classification: Likely pathogenic. Last evaluated: 2026-01-06. Review status: criteria provided, single submitter. Criteria: GeneDx Variant Classification Process June 2021. Collection method: clinical testing. Allele origin: germline. Affected: yes.
Comment: In silico analysis supports that this missense variant has a deleterious effect on protein structure/function; This variant is associated with the following publications: (PMID: 16178026, 19853446, 19748572, 21412940, 30487145, 32384880, 34426522, 33300680, 32849836, 38712004)

Labcorp Genetics (formerly Invitae), Labcorp
Classification: Pathogenic. Last evaluated: 2025-12-23. Review status: criteria provided, single submitter. Criteria: Invitae Variant Classification Sherloc (09022015). Collection method: clinical testing. Allele origin: germline.
Comment: This sequence change replaces valine, which is neutral and non-polar, with methionine, which is neutral and non-polar, at codon 208 of the TYMP protein (p.Val208Met). This variant is present in population databases (rs121913039, gnomAD 0.06%). This missense change has been observed in individual(s) with mitochondrial disease and/or mitochondrial neurogastrointestinal encephalomyopathy (MNGIE) (PMID: 16178026, 32849836, 33300680). ClinVar contains an entry for this variant (Variation ID: 16663). Invitae Evidence Modeling of protein sequence and biophysical properties (such as structural, functional, and spatial information, amino acid conservation, physicochemical variation, residue mobility, and thermodynamic stability) indicates that this missense variant is expected to disrupt TYMP protein function with a positive predictive value of 95%. Studies have shown that this missense change alters TYMP gene expression (PMID: 32849836). For these reasons, this variant has been classified as Pathogenic.

Natera, Inc.
Classification: Likely pathogenic for Mitochondrial neurogastrointestinal encephalomyopathy. Last evaluated: 2025-08-24. Review status: criteria provided, single submitter. Criteria: Natera Variant Classification Schema (03/2026). Collection method: clinical testing. Allele origin: germline.
Comment: The c.622G>A variant in TYMP is a missense variant predicted to cause substitution of valine to methionine at amino acid 208. This variant is rare in the general population with a frequency below the threshold expected for the associated phenotype(s). This variant has been observed in one or more individuals affected with the associated recessive disease, as either homozygous or compound heterozygous with a second variant (PMID: 32849836, 16178026). Functional studies show that this variant may disrupt protein function (PMID: 32849836, 16178026). Computational prediction algorithms indicate this variant is likely to affect gene or protein function. Given the available evidence, this variant is classified as Likely Pathogenic.

3billion
Classification: Likely pathogenic for Mitochondrial DNA depletion syndrome 1. Last evaluated: 2025-04-28. Review status: criteria provided, single submitter. Criteria: ACMG Guidelines, 2015. Collection method: clinical testing. Allele origin: germline. Affected: yes.

Revvity Omics, Revvity
Classification: Likely pathogenic for Mitochondrial DNA depletion syndrome 1. Last evaluated: 2024-11-20. Review status: criteria provided, single submitter. Criteria: ACMG Guidelines, 2015. Collection method: clinical testing. Allele origin: germline.

Blueprint Genetics
Classification: Pathogenic for TYMP-related disorders. Last evaluated: 2024-11-19. Review status: criteria provided, single submitter. Criteria: ACMG Guidelines, 2015. Collection method: clinical testing. Allele origin: germline. Affected: yes. Observed: 5 variant alleles.

Fulgent Genetics
Classification: Likely pathogenic for Mitochondrial DNA depletion syndrome 1. Last evaluated: 2024-06-04. Review status: criteria provided, single submitter. Criteria: ACMG Guidelines, 2015. Collection method: clinical testing. Allele origin: germline.

Women's Health and Genetics/Laboratory Corporation of America, LabCorp
Classification: Likely pathogenic for Mitochondrial DNA depletion syndrome 1. Last evaluated: 2024-02-19. Review status: criteria provided, single submitter. Criteria: LabCorp Variant Classification Summary - May 2015. Collection method: clinical testing. Allele origin: germline.
Comment: Variant summary: TYMP c.622G>A (p.Val208Met) results in a conservative amino acid change located in the Glycosyl transferase, family 3 domain (IPR000312) of the encoded protein sequence. Four of five in-silico tools predict a damaging effect of the variant on protein function. The variant allele was found at a frequency of 0.00033 in 251306 control chromosomes (gnomAD). This frequency is not significantly higher than estimated for a pathogenic variant in TYMP causing Mitochondrial DNA Depletion Syndrome 1 (MNGIE type) (0.00033 vs 0.0011), allowing no conclusion about variant significance. c.622G>A has been reported in the literature in individuals affected with Mitochondrial DNA Depletion Syndrome 1 (MNGIE type; Marti_2005, Ronchi_2020, Levy_2021). These data indicate that the variant is likely to be associated with disease. To our knowledge, no experimental evidence demonstrating an impact on protein function has been reported. The following publications have been ascertained in the context of this evaluation (PMID: 16178026, 32849836, 33300680). ClinVar contains an entry for this variant (Variation ID: 16663). Based on the evidence outlined above, the variant was classified as likely pathogenic.

Department of Pathophysiology and Transplantation, University of Milan
Classification: Pathogenic for Mitochondrial DNA depletion syndrome 1. Last evaluated: 2020-07-04. Review status: criteria provided, single submitter. Criteria: ACMG Guidelines, 2015. Collection method: clinical testing. Allele origin: germline. Affected: yes.

Mayo Clinic Laboratories, Mayo Clinic
Classification: Likely pathogenic. Last evaluated: 2020-04-15. Review status: criteria provided, single submitter. Criteria: ACMG Guidelines, 2015. Collection method: clinical testing. Allele origin: germline. Observed: 1 variant allele.

CeGaT Center for Human Genetics Tuebingen
Classification: Likely pathogenic. Last evaluated: 2016-08-01. Review status: criteria provided, single submitter. Criteria: CeGaT Center For Human Genetics Tuebingen Variant Classification Criteria Version 2. Collection method: clinical testing. Allele origin: germline. Affected: yes. Observed: 1 variant allele.

Genetic Services Laboratory, University of Chicago
Classification: Likely pathogenic for Mitochondrial DNA depletion syndrome 1. Last evaluated: 2016-06-03. Review status: criteria provided, single submitter. Criteria: ACMG Guidelines, 2015. Collection method: clinical testing. Allele origin: germline. Affected: yes.

GeneReviews
Classification: Pathogenic for Mitochondrial DNA depletion syndrome 1. Last evaluated: 2016-01-14. Review status: no assertion criteria provided. Collection method: literature only. Allele origin: germline. Affected: yes. Not counted in ClinVar's aggregate classification.

OMIM
Classification: Pathogenic for MITOCHONDRIAL DNA DEPLETION SYNDROME 1 (MNGIE TYPE). Last evaluated: 2005-10-01. Review status: no assertion criteria provided. Collection method: literature only. Allele origin: germline. Not counted in ClinVar's aggregate classification.

Literature cited by the submitters: PubMed 16178026 (cited by 8 submitters); PubMed 32849836 (cited by 3 submitters); PubMed 33300680 (cited by Labcorp Genetics (formerly Invitae), Labcorp and Women's Health and Genetics/Laboratory Corporation of America, LabCorp); PubMed 21933806 (cited by 3billion); PubMed 20301358 (cited by Mayo Clinic Laboratories, Mayo Clinic); PubMed 30487145 (cited by Mayo Clinic Laboratories, Mayo Clinic); PubMed 19748572 (cited by Mayo Clinic Laboratories, Mayo Clinic); PubMed 21412940 (cited by Mayo Clinic Laboratories, Mayo Clinic).

NM_001953.5(TYMP):c.622G>A (p.Val208Met)

Gene: TYMP (thymidine phosphorylase; minus strand). Cytogenetic location: 22q13.33.
Variant type: single nucleotide variant.
Coding change: c.622G>A on transcript NM_001953.5 (MANE Select); coding-DNA position 622, G replaced by A.
Protein change: p.Val208Met; replaces valine 208 with methionine.
Molecular consequence: missense variant.
Genome position (GRCh38, 1-based): chr22:50,527,612, C>T on the plus strand (G>A on the coding strand, the complement: TYMP is on the minus strand). VCF-style: chr22-50527612-C-T. GRCh37 (hg19) VCF-style: chr22-50966041-C-T.
Other names: Val>Met; c.622G>A, p.Val208Met (LRG_727t1, LRG_727t2, NM_001113755.3 and 3 more transcripts); short protein forms V208M.
Identifiers: ClinVar variation 16663 (VCV000016663.73), dbSNP rs121913039, ClinGen allele CA126784.
Genomic context (GRCh38, chr22:50,527,612, plus strand): 5'-GTGAACATGCAGAAGCAGGCCATGGAGTCAGGTCACCTGTGATGAGTGGCAGGCTGTCCA[C>T]GGTGGCTGTCACATCTCTGGCTGCATATAGGATTCCGTCCGCAGGAACCAGCTGCTCACT-3'
Protein context (NP_001944.1, residues 198-218): LYAARDVTAT[Val208Met]DSLPLITASI